The following is an entry in ClinVar:

ClinVar aggregate classification (germline): Benign (0 of 4 stars; one submission).

Conditions:
TNIK-related disorder. Also called: TNIK-related condition.

Submission:

PreventionGenetics, part of Exact Sciences
Classification: Benign for TNIK-related condition. Last evaluated: 2019-09-05. Review status: no assertion criteria provided. Collection method: clinical testing. Allele origin: germline.
Comment: This variant is classified as benign based on ACMG/AMP sequence variant interpretation guidelines (Richards et al. 2015 PMID: 25741868, with internal and published modifications).

NM_015028.4(TNIK):c.1609-14_1609-10dup

Gene: TNIK (TRAF2 and NCK interacting kinase; minus strand). Cytogenetic location: 3q26.2.
Variant type: Duplication.
Coding change: c.1609-14_1609-10dup on transcript NM_015028.4 (MANE Select); 14 bases into the intron before coding-DNA position 1609 through 10 bases into the intron before coding-DNA position 1609, 5 bases duplicated (TTTTT; older notation c.1609-14_1609-10dupTTTTT).
Molecular consequence: intron variant.
Genome position (GRCh38, 1-based): chr3:171,128,888-171,128,892, AAAAA duplicated on the plus strand (TTTTT on the coding strand, the reverse complement: TNIK is on the minus strand); duplicating any 5 consecutive bases within chr3:171,128,888-171,128,907 gives the same sequence; the c. name uses the placement nearest the transcript's 3' end. VCF-style (leftmost placement, unchanged base first): chr3-171128887-C-CAAAAA. GRCh37 (hg19) VCF-style: chr3-170846676-C-CAAAAA.
Other names: c.1522-2741_1522-2737dup (NM_001161566.3, NM_001161565.3); c.1522-14_1522-10dup (NM_001161562.3, NM_001161561.3); c.1609-2741_1609-2737dup (NM_001161564.3, NM_001161563.3); c.1609-14_1609-10dup (NM_001161560.3).
Identifiers: ClinVar variation 3056765 (VCV003056765.2), dbSNP rs59293515, ClinGen allele CA2703442.